The following is an entry in ClinVar:

NM_144573.4(NEXN):c.687+23del

Gene: NEXN (nexilin F-actin binding protein; plus strand). Cytogenetic location: 1p31.1.
Variant type: Deletion.
Coding change: c.687+23del on transcript NM_144573.4 (MANE Select); 23 bases into the intron after coding-DNA position 687, one base deleted (T; older notation c.687+23delT).
Molecular consequence: intron variant.
Genome position (GRCh38, 1-based): chr1:77,926,634, T deleted; the last of 4 consecutive T bases (chr1:77,926,631-77,926,634); deleting any one gives the same sequence. VCF-style (leftmost placement, unchanged base first): chr1-77926630-GT-G. GRCh37 (hg19) VCF-style: chr1-78392315-GT-G.
Other names: c.495+23del (NM_001172309.2); c.687+20delT (NM_144573.3).
Identifiers: ClinVar variation 201913 (VCV000201913.12), dbSNP rs141957231, ClinGen allele CA335378.

ClinVar aggregate classification (germline): Benign. Review status: criteria provided, multiple submitters, no conflicts (2 of 4 stars). 5 submissions from 5 submitters: Benign (3). 2 of the submissions do not count toward it. Last evaluated 2026-02-01.

Conditions:
Hypertrophic cardiomyopathy 20. Identifiers: MedGen C3151267, MONDO:0013477, OMIM 613876.
Dilated cardiomyopathy 1CC (CMD1CC). Identifiers: Orphanet 154, MedGen C2751084, MONDO:0013147, OMIM 613122.
Cardiomyopathy (CMYO). Also called: Cardiomyopathies. Identifiers: Orphanet 167848, MedGen C0878544, MONDO:0004994, HP:0001638. Inheritance: Various modes of inheritance.

Submissions (5):

Labcorp Genetics (formerly Invitae), Labcorp
Classification: Benign for Dilated cardiomyopathy 1CC; Hypertrophic cardiomyopathy 20. Last evaluated: 2026-02-01. Review status: criteria provided, single submitter. Criteria: Invitae Variant Classification Sherloc (09022015). Collection method: clinical testing. Allele origin: germline.

ARUP Laboratories, Molecular Genetics and Genomics, ARUP Laboratories
Classification: Benign. Last evaluated: 2025-05-14. Review status: criteria provided, single submitter. Criteria: ARUP Molecular Germline Variant Investigation Process 2024. Collection method: clinical testing. Allele origin: germline.

GeneDx
Classification: Benign for Cardiomyopathy. Last evaluated: 2012-11-28. Review status: criteria provided, single submitter. Criteria: GeneDx Variant Classification (06012015). Collection method: clinical testing. Allele origin: germline. Affected: yes.
Comment: The variant is found in DCM panel(s).

Clinical Genetics DNA and cytogenetics Diagnostics Lab, Erasmus MC, Erasmus Medical Center
Classification: Benign. Review status: no assertion criteria provided. Collection method: clinical testing. Allele origin: germline. Affected: yes. Study: VKGL Data-share Consensus. Not counted in ClinVar's aggregate classification.

Clinical Genetics, Academic Medical Center
Classification: Benign. Review status: no assertion criteria provided. Collection method: clinical testing. Allele origin: germline. Affected: yes. Study: VKGL Data-share Consensus. Not counted in ClinVar's aggregate classification.